The following is an entry in ClinVar:

ClinVar aggregate classification (germline): Uncertain significance (1 of 4 stars; one submission).

Conditions:
ZTTK syndrome (ZTTKS). Also called: ZTTK MULTIPLE CONGENITAL ANOMALIES-MENTAL RETARDATION SYNDROME; Zhu-Tokita-Takenouchi-Kim Syndrome. Identifiers: Orphanet 500150, MedGen C4310696, MONDO:0014936, OMIM 617140.

Submission:

OLLIN Analises Genomicas, OLLIN
Classification: Uncertain significance for ZTTK syndrome. Last evaluated: 2026-08-06. Review status: criteria provided, single submitter. Criteria: ACMG Guidelines 2015 PMID 25741868. Collection method: clinical testing. Allele origin: germline. Inheritance: Autosomal dominant inheritance.
Comment: This missense variant, located in exon 3 (of 12), is absent from gnomAD and ClinVar and has not been identified in the literature. In silico analysis predicts that this variant has a tolerated effect. According to the currently available evidence, this variant has been classified as uncertain significance (PM2_P, BP4_M).

NM_138927.4(SON):c.3910G>C (p.Val1304Leu)

Gene: SON (SON DNA and RNA binding protein; plus strand). Cytogenetic location: 21q22.11.
Variant type: single nucleotide variant.
Coding change: c.3910G>C on transcript NM_138927.4 (MANE Select); coding-DNA position 3910, G replaced by C.
Protein change: p.Val1304Leu; replaces valine 1304 with leucine.
Molecular consequence: missense variant. On other transcripts: non-coding transcript variant (1), intron variant (1).
Genome position (GRCh38, 1-based): chr21:33,553,141, G>C. VCF-style: chr21-33553141-G-C. GRCh37 (hg19) VCF-style: chr21-34925447-G-C.
Other names: c.3910G>C, p.Val1304Leu (NM_001291411.2, NM_032195.3); c.245-4015G>C (NM_001291412.3); short protein forms V1304L.
Identifiers: ClinVar variation 5002886 (VCV005002886.1).
Genomic context (GRCh38, chr21:33,553,141, plus strand): 5'-ATGGTATCTGAAACTCCCGCCATGTCAGCTGAACCAACTGTGTTAGCATCAGAGCCTCCT[G>C]TTATGTCAGAGACAGCAGAAACATTTGATTCCATGAGAGCCTCAGGACATGTTGCCTCAG-3'
Protein context (NP_620305.3, residues 1294-1314): EPTVLASEPP[Val1304Leu]MSETAETFDS